The following is an entry in ClinVar:

NM_001358235.2(DCHS2):c.2225T>C (p.Leu742Pro)

Gene: DCHS2 (dachsous cadherin-related 2; minus strand). Cytogenetic location: 4q31.3.
Variant type: single nucleotide variant.
Coding change: c.2225T>C on transcript NM_001358235.2 (MANE Select); coding-DNA position 2225, T replaced by C.
Protein change: p.Leu742Pro; replaces leucine 742 with proline.
Molecular consequence: missense variant.
Genome position (GRCh38, 1-based): chr4:154,377,272, A>G on the plus strand (T>C on the coding strand, the complement: DCHS2 is on the minus strand). VCF-style: chr4-154377272-A-G. GRCh37 (hg19) VCF-style: chr4-155298424-A-G.
Other names: c.2225T>C, p.Leu742Pro (NM_001142552.2, NM_001412223.1); short protein forms L742P.
Identifiers: ClinVar variation 3039963 (VCV003039963.2), dbSNP rs115814256, ClinGen allele CA3113611.
Genomic context (GRCh38, chr4:154,377,272, plus strand): 5'-TGTGATTATGTTTAAAATAAACTTCATACATAAAAACTTACCCCATCCTTAGCTTCCACC[A>G]GGAGATCATAGGTAGCTGGATCCCTTTCCCTGTCGATATCTTGAGAAACACAGATTTGCC-3'
Protein context (NP_001345164.1, residues 732-752): RERDPATYDL[Leu742Pro]VEAKDGGGLS

ClinVar aggregate classification (germline): Benign (0 of 4 stars; one submission).

Conditions:
DCHS2-related disorder. Also called: DCHS2-related condition.

Allele frequency attached by ClinVar (database versions not stated): gnomAD exomes 0.00033; ExAC 0.00103; gnomAD 0.00320; ESP Exome Variant Server 0.00338; TOPMed 0.00379; 1000 Genomes Project 0.00399; 1000 Genomes Project 30x 0.00437.
gnomAD v4.1: 988 of 1,613,328 alleles (0.061%); highest among the groups gnomAD compares: African/African-American, 1.2%; 3 homozygotes.

Submission:

PreventionGenetics, part of Exact Sciences
Classification: Benign for DCHS2-related condition. Last evaluated: 2019-02-20. Review status: no assertion criteria provided. Collection method: clinical testing. Allele origin: germline.
Comment: This variant is classified as benign based on ACMG/AMP sequence variant interpretation guidelines (Richards et al. 2015 PMID: 25741868, with internal and published modifications).